The following is an entry in ClinVar:

NM_016938.5(EFEMP2):c.724A>G (p.Ser242Gly)

Gene: EFEMP2 (EGF-like fibulin extracellular matrix protein 2; minus strand). Cytogenetic location: 11q13.1.
Variant type: single nucleotide variant.
Coding change: c.724A>G on transcript NM_016938.5 (MANE Select); coding-DNA position 724, A replaced by G.
Protein change: p.Ser242Gly; replaces serine 242 with glycine.
Molecular consequence: missense variant. On other transcripts: non-coding transcript variant (1).
Genome position (GRCh38, 1-based): chr11:65,869,860, T>C on the plus strand (A>G on the coding strand, the complement: EFEMP2 is on the minus strand). VCF-style: chr11-65869860-T-C. GRCh37 (hg19) VCF-style: chr11-65637331-T-C.
Other names: short protein forms S242G.
Identifiers: ClinVar variation 1306930 (VCV001306930.11), dbSNP rs373202527, ClinGen allele CA6110550.

ClinVar aggregate classification (germline): Uncertain significance. Review status: criteria provided, multiple submitters, no conflicts (2 of 4 stars). 3 submissions from 3 submitters: Uncertain significance (3). Last evaluated 2024-09-16.

Conditions:
Cardiovascular phenotype. Identifiers: MedGen CN230736.
Cutis laxa, autosomal recessive, type 1B (ARCL1B). Also called: CUTIS LAXA, AUTOSOMAL RECESSIVE, TYPE IB; EFEMP2-Related Cutis Laxa. Identifiers: Orphanet 90349, MedGen C3280798, MONDO:0013754, OMIM 614437. Disease mechanism: loss of function.

Allele frequency attached by ClinVar (database versions not stated): gnomAD 0.00001 and 0.00002; gnomAD exomes 0.00001 and 0.00003; ExAC 0.00002; TOPMed 0.00002; ESP Exome Variant Server 0.00008.
gnomAD v4.1: 10 of 1,613,804 alleles (0.00062%); highest among the groups gnomAD compares: Admixed American, 0.0083%; no homozygotes.

Submissions (3):

Labcorp Genetics (formerly Invitae), Labcorp
Classification: Uncertain significance for Cutis laxa, autosomal recessive, type 1B. Last evaluated: 2024-09-16. Review status: criteria provided, single submitter. Criteria: Invitae Variant Classification Sherloc (09022015). Collection method: clinical testing. Allele origin: germline.
Comment: This sequence change replaces serine, which is neutral and polar, with glycine, which is neutral and non-polar, at codon 242 of the EFEMP2 protein (p.Ser242Gly). This variant is present in population databases (rs373202527, gnomAD 0.01%). This variant has not been reported in the literature in individuals affected with EFEMP2-related conditions. ClinVar contains an entry for this variant (Variation ID: 1306930). Invitae Evidence Modeling of protein sequence and biophysical properties (such as structural, functional, and spatial information, amino acid conservation, physicochemical variation, residue mobility, and thermodynamic stability) indicates that this missense variant is not expected to disrupt EFEMP2 protein function with a negative predictive value of 80%. In summary, the available evidence is currently insufficient to determine the role of this variant in disease. Therefore, it has been classified as a Variant of Uncertain Significance.

Ambry Genetics
Classification: Uncertain significance for Cardiovascular phenotype. Last evaluated: 2023-06-22. Review status: criteria provided, single submitter. Criteria: Ambry Variant Classification Scheme 2023. Collection method: clinical testing. Allele origin: germline.
Comment: The p.S242G variant (also known as c.724A>G), located in coding exon 6 of the EFEMP2 gene, results from an A to G substitution at nucleotide position 724. The serine at codon 242 is replaced by glycine, an amino acid with similar properties. This amino acid position is conserved. In addition, this alteration is predicted to be tolerated by in silico analysis. Since supporting evidence is limited at this time, the clinical significance of this alteration remains unclear.

GeneDx
Classification: Uncertain significance. Last evaluated: 2019-07-05. Review status: criteria provided, single submitter. Criteria: GeneDx Variant Classification Process June 2021. Collection method: clinical testing. Allele origin: germline. Affected: yes.
Comment: Not observed at a significant frequency in large population cohorts (Lek et al., 2016)